The following is an entry in ClinVar:

ClinVar aggregate classification (germline): Uncertain significance (1 of 4 stars; one submission).

Conditions:
Hereditary spastic paraplegia 26 (SPG26). Also called: SPASTIC PARAPLEGIA 26, AUTOSOMAL RECESSIVE. Identifiers: Orphanet 101006, MedGen C1836632, MONDO:0012213, OMIM 609195.

Submission:

Institute of Human Genetics, University of Leipzig Medical Center
Classification: Uncertain significance for Hereditary spastic paraplegia 26. Last evaluated: 2026-05-19. Review status: criteria provided, single submitter. Criteria: ACMG Guidelines, 2015. Collection method: clinical testing. Allele origin: unknown. Affected: yes.
Comment: Criteria applied: PM2,PM1_SUP,PP3; Identified as compund heterozygous with NM_001478.5:c.839C>A

NM_001478.5(B4GALNT1):c.1147G>A (p.Gly383Arg)

Gene: B4GALNT1 (beta-1,4-N-acetyl-galactosaminyltransferase 1; minus strand). Cytogenetic location: 12q13.3.
Variant type: single nucleotide variant.
Coding change: c.1147G>A on transcript NM_001478.5 (MANE Select); coding-DNA position 1147, G replaced by A.
Protein change: p.Gly383Arg; replaces glycine 383 with arginine.
Molecular consequence: missense variant.
Genome position (GRCh38, 1-based): chr12:57,627,855, C>T on the plus strand (G>A on the coding strand, the complement: B4GALNT1 is on the minus strand). VCF-style: chr12-57627855-C-T. GRCh37 (hg19) VCF-style: chr12-58021638-C-T.
Other names: c.982G>A, p.Gly328Arg (NM_001276468.2, NM_001413978.1); c.1315G>A, p.Gly439Arg (NM_001413967.1); c.1282G>A, p.Gly428Arg (NM_001413968.1, NM_001413969.1); c.1180G>A, p.Gly394Arg (NM_001413970.1, NM_001413971.1, NM_001413972.1); c.1147G>A, p.Gly383Arg (NM_001413973.1, NM_001413974.1); c.1048G>A, p.Gly350Arg (NM_001413977.1); c.295G>A, p.Gly99Arg (NM_001413981.1); c.193G>A, p.Gly65Arg (NM_001413982.1); and 1 more; short protein forms G328R, G350R, G383R, G394R, G428R, G439R, G54R, G65R.
Identifiers: ClinVar variation 4857455 (VCV004857455.1).